The following is an entry in ClinVar:

ClinVar aggregate classification (germline): Uncertain significance (1 of 4 stars; one submission).

Submission:

GeneDx
Classification: Uncertain significance. Last evaluated: 2019-04-04. Review status: criteria provided, single submitter. Criteria: GeneDx Variant Classification Process June 2021. Collection method: clinical testing. Allele origin: germline. Affected: yes.
Comment: Not observed in large population cohorts (Lek et al., 2016); In silico analysis, which includes protein predictors and evolutionary conservation, supports a deleterious effect; Has not been previously published as pathogenic or benign to our knowledge

NM_000093.5(COL5A1):c.2740C>T (p.Pro914Ser)

Gene: COL5A1 (collagen type V alpha 1 chain; plus strand). Cytogenetic location: 9q34.3.
Variant type: single nucleotide variant.
Coding change: c.2740C>T on transcript NM_000093.5 (MANE Select); coding-DNA position 2740, C replaced by T.
Protein change: p.Pro914Ser; replaces proline 914 with serine.
Molecular consequence: missense variant.
Genome position (GRCh38, 1-based): chr9:134,795,121, C>T. VCF-style: chr9-134795121-C-T. GRCh37 (hg19) VCF-style: chr9-137686967-C-T.
Other names: c.2740C>T, p.Pro914Ser (NM_001278074.1); short protein forms P914S.
Identifiers: ClinVar variation 1315614 (VCV001315614.2), dbSNP rs2132802525, ClinGen allele CA375456526.